The following is an entry in ClinVar:

ClinVar aggregate classification (germline): Uncertain significance. Review status: criteria provided, multiple submitters, no conflicts (2 of 4 stars). 5 submissions from 5 submitters: Uncertain significance (4). 1 of the submissions does not count toward it. Last evaluated 2024-05-21.

Conditions:
Hereditary cancer-predisposing syndrome. Also called: Hereditary Cancer Syndrome; Hereditary neoplastic syndrome; Neoplastic Syndromes, Hereditary; Tumor predisposition. Identifiers: Orphanet 140162, MedGen C0027672, MeSH D009386, MONDO:0015356.
Hereditary breast ovarian cancer syndrome. Also called: BRCA1- and BRCA2-Associated Hereditary Breast and Ovarian Cancer; Hereditary breast and ovarian cancer syndrome; Hereditary breast and ovarian cancer syndrome (HBOC); Breast and ovarian cancer; Hereditary breast and/or ovarian cancer syndrome; Hereditary breast and ovarian cancer. Identifiers: Orphanet 145, MedGen C0677776, MeSH D061325, MONDO:0003582. Disease mechanism: loss of function.
Breast-ovarian cancer, familial, susceptibility to, 1 (BROVCA1). Also called: BRCA1 Hereditary Breast and Ovarian Cancer; OVARIAN CANCER, SUSCEPTIBILITY TO. Identifiers: Orphanet 145, MedGen C2676676, MONDO:0011450, OMIM 604370. Disease mechanism: loss of function.

Allele frequency attached by ClinVar (database versions not stated): gnomAD exomes below 0.00001.
gnomAD v4.1: 1 of 1,614,232 alleles (0.000062%); highest among the groups gnomAD compares: East Asian, 0.0022%; no homozygotes.

Submissions (5):

Ambry Genetics
Classification: Uncertain significance for Hereditary cancer-predisposing syndrome. Last evaluated: 2024-05-21. Review status: criteria provided, single submitter. Criteria: Ambry Variant Classification Scheme 2023. Collection method: clinical testing. Allele origin: germline.
Comment: The p.I1593V variant (also known as c.4777A>G), located in coding exon 14 of the BRCA1 gene, results from an A to G substitution at nucleotide position 4777. The isoleucine at codon 1593 is replaced by valine, an amino acid with highly similar properties. This alteration was identified in an individual diagnosed with ovarian cancer (Kuperstein G et al. Genet Test, 2006;10:1-7). This variant was functional in a homology directed repair functional assay (Adamovich AI et al. Am J Hum Genet, 2022 Apr;109:618-630). Of note, this alteration is also designated as A4896G in published literature. This amino acid position is poorly conserved in available vertebrate species. In addition, this alteration is predicted to be tolerated by in silico analysis. Based on the available evidence, the clinical significance of this variant remains unclear.

All of Us Research Program, National Institutes of Health
Classification: Uncertain significance for Breast-ovarian cancer, familial, susceptibility to, 1. Last evaluated: 2024-01-11. Review status: criteria provided, single submitter. Criteria: ACMG Guidelines, 2015. Collection method: clinical testing. Allele origin: germline. Inheritance: Autosomal dominant inheritance. Observed: 1 variant allele, 1 heterozygote.
Comment: This study involves interpretation of variants in research participants for the purpose of population health screening. Participant phenotype was not available at the time of variant classification. Additional details can be found in publication PMID: 35346344, PMCID: PMC8962531

Labcorp Genetics (formerly Invitae), Labcorp
Classification: Uncertain significance for Hereditary breast ovarian cancer syndrome. Last evaluated: 2023-08-17. Review status: criteria provided, single submitter. Criteria: Invitae Variant Classification Sherloc (09022015). Collection method: clinical testing. Allele origin: germline.
Comment: This sequence change replaces isoleucine, which is neutral and non-polar, with valine, which is neutral and non-polar, at codon 1593 of the BRCA1 protein (p.Ile1593Val). This variant is present in population databases (rs397509197, gnomAD 0.006%). This missense change has been observed in individual(s) with ovarian cancer (PMID: 21965345). ClinVar contains an entry for this variant (Variation ID: 55285). Advanced modeling of protein sequence and biophysical properties (such as structural, functional, and spatial information, amino acid conservation, physicochemical variation, residue mobility, and thermodynamic stability) performed at Invitae indicates that this missense variant is not expected to disrupt BRCA1 protein function. In summary, the available evidence is currently insufficient to determine the role of this variant in disease. Therefore, it has been classified as a Variant of Uncertain Significance.

Color Diagnostics, LLC DBA Color Health
Classification: Uncertain significance for Hereditary cancer-predisposing syndrome. Last evaluated: 2022-10-17. Review status: criteria provided, single submitter. Criteria: ACMG Guidelines, 2015. Collection method: clinical testing. Allele origin: germline.
Comment: This missense variant replaces isoleucine with valine at codon 1593 of the BRCA1 protein. Computational prediction is inconclusive regarding the impact of this variant on protein structure and function (internally defined REVEL score threshold 0.5 < inconclusive < 0.7, PMID: 27666373). To our knowledge, functional studies have not been reported for this variant. This variant has not been reported in individuals affected with hereditary cancer in the literature. This variant has been identified in 1/251390 chromosomes in the general population by the Genome Aggregation Database (gnomAD). The available evidence is insufficient to determine the role of this variant in disease conclusively. Therefore, this variant is classified as a Variant of Uncertain Significance.

Sharing Clinical Reports Project (SCRP)
Classification: Uncertain significance for Breast-ovarian cancer, familial 1. Last evaluated: 2007-11-07. Review status: no assertion criteria provided. Collection method: clinical testing. Allele origin: germline. Not counted in ClinVar's aggregate classification.

Literature cited by the submitters: PubMed 16544996 (cited by Ambry Genetics); PubMed 16760289 (cited by Ambry Genetics); PubMed 35196514 (cited by Ambry Genetics); PubMed 21965345 (cited by Labcorp Genetics (formerly Invitae), Labcorp).

NM_007294.4(BRCA1):c.4777A>G (p.Ile1593Val)

Gene: BRCA1 (BRCA1 DNA repair associated; minus strand). Cytogenetic location: 17q21.31.
Variant type: single nucleotide variant.
Coding change: c.4777A>G on transcript NM_007294.4 (MANE Select); coding-DNA position 4777, A replaced by G.
Protein change: p.Ile1593Val; replaces isoleucine 1593 with valine.
Molecular consequence: missense variant. On other transcripts: non-coding transcript variant (1).
Genome position (GRCh38, 1-based): chr17:43,071,137, T>C on the plus strand (A>G on the coding strand, the complement: BRCA1 is on the minus strand). VCF-style: chr17-43071137-T-C. GRCh37 (hg19) VCF-style: chr17-41223154-T-C.
Other names: 4896A>G; c.4774A>G, p.Ile1592Val (NM_001407614.1, NM_001407615.1, NM_001407616.1 and 17 more transcripts); c.4699A>G, p.Ile1567Val (NM_001407655.1, NM_001407653.1, NM_001407654.1); c.4696A>G, p.Ile1566Val (NM_001407656.1, NM_001407657.1, NM_001407658.1); c.4693A>G, p.Ile1565Val (NM_001407659.1, NM_001407660.1, NM_001407661.1 and 2 more transcripts); c.4654A>G, p.Ile1552Val (NM_001407664.1, NM_001407919.1, NM_001407937.1 and 6 more transcripts); c.4651A>G, p.Ile1551Val (NM_001407674.1, NM_001407675.1, NM_001407676.1 and 11 more transcripts); c.4648A>G, p.Ile1550Val (NM_001407681.1, NM_001407682.1, NM_001407683.1 and 6 more transcripts); and 71 more; short protein forms I1593V, I1546V, I1614V, I489V, I1480V, I1524V, I1545V, I1566V.
Identifiers: ClinVar variation 55285 (VCV000055285.21), dbSNP rs397509197, ClinGen allele CA003019.